The following is an entry in ClinVar:

ClinVar aggregate classification (germline): Uncertain significance (1 of 4 stars; one submission).

Conditions:
Myasthenic syndrome, congenital, 22 (CMS22). Also called: PREPL DEFICIENCY. Identifiers: MedGen C4479088, MONDO:0044299, OMIM 616224.

Allele frequency attached by ClinVar (database versions not stated): TOPMed below 0.00001; ExAC 0.00001; gnomAD 0.00001.
gnomAD v4.1: 3 of 1,614,034 alleles (0.00019%); highest among the groups gnomAD compares: African/African-American, 0.004%; no homozygotes.

Submission:

Labcorp Genetics (formerly Invitae), Labcorp
Classification: Uncertain significance for Myasthenic syndrome, congenital, 22. Last evaluated: 2023-04-12. Review status: criteria provided, single submitter. Criteria: Invitae Variant Classification Sherloc (09022015). Collection method: clinical testing. Allele origin: germline.
Comment: This variant is present in population databases (rs772222615, gnomAD 0.01%). This sequence change replaces alanine, which is neutral and non-polar, with valine, which is neutral and non-polar, at codon 521 of the PREPL protein (p.Ala521Val). This variant has not been reported in the literature in individuals affected with PREPL-related conditions. In summary, the available evidence is currently insufficient to determine the role of this variant in disease. Therefore, it has been classified as a Variant of Uncertain Significance. Advanced modeling of protein sequence and biophysical properties (such as structural, functional, and spatial information, amino acid conservation, physicochemical variation, residue mobility, and thermodynamic stability) performed at Invitae indicates that this missense variant is not expected to disrupt PREPL protein function.

NM_001171613.2(PREPL):c.1295C>T (p.Ala432Val)

Gene: PREPL (prolyl endopeptidase like; minus strand). Cytogenetic location: 2p21.
Variant type: single nucleotide variant.
Coding change: c.1295C>T on transcript NM_001171613.2 (MANE Select); coding-DNA position 1295, C replaced by T.
Protein change: p.Ala432Val; replaces alanine 432 with valine.
Molecular consequence: missense variant.
Genome position (GRCh38, 1-based): chr2:44,326,896, G>A on the plus strand (C>T on the coding strand, the complement: PREPL is on the minus strand). VCF-style: chr2-44326896-G-A. GRCh37 (hg19) VCF-style: chr2-44554035-G-A.
Other names: c.1562C>T, p.Ala521Val (NM_001374276.1, NM_006036.4, NM_001171603.1 and 2 more transcripts); c.1295C>T, p.Ala432Val (NM_001374277.1, NM_001171617.1); c.1376C>T, p.Ala459Val (NM_001042385.2); c.1364C>T, p.Ala455Val (NM_001042386.2); short protein forms A521V, A455V, A459V, A432V.
Identifiers: ClinVar variation 2843274 (VCV002843274.3), dbSNP rs772222615, ClinGen allele CA1641148.